The following is an entry in ClinVar:

NM_177438.3(DICER1):c.2441C>T (p.Pro814Leu)

Gene: DICER1 (dicer 1, ribonuclease III; minus strand). Cytogenetic location: 14q32.13.
Variant type: single nucleotide variant.
Coding change: c.2441C>T on transcript NM_177438.3 (MANE Select); coding-DNA position 2441, C replaced by T.
Protein change: p.Pro814Leu; replaces proline 814 with leucine.
Molecular consequence: missense variant. On other transcripts: non-coding transcript variant (6).
Genome position (GRCh38, 1-based): chr14:95,108,089, G>A on the plus strand (C>T on the coding strand, the complement: DICER1 is on the minus strand). VCF-style: chr14-95108089-G-A. GRCh37 (hg19) VCF-style: chr14-95574426-G-A.
Other names: c.2441C>T, p.Pro814Leu (NM_001195573.1, NM_001271282.3, NM_001291628.2 and 13 more transcripts); c.2159C>T, p.Pro720Leu (NM_001395686.1); c.2036C>T, p.Pro679Leu (NM_001395687.1, NM_001395688.1, NM_001395689.1 and 2 more transcripts); c.1874C>T, p.Pro625Leu (NM_001395691.1); c.758C>T, p.Pro253Leu (NM_001395697.1); short protein forms P253L, P625L, P679L, P720L, P814L.
Identifiers: ClinVar variation 3229337 (VCV003229337.1), dbSNP rs2542844514, ClinGen allele CA390882022.

ClinVar aggregate classification (germline): Uncertain significance (1 of 4 stars; one submission).

Conditions:
Hereditary cancer-predisposing syndrome. Also called: Neoplastic Syndromes, Hereditary; Tumor predisposition; Hereditary neoplastic syndrome; Hereditary Cancer Syndrome. Identifiers: Orphanet 140162, MedGen C0027672, MeSH D009386, MONDO:0015356.

Allele frequency attached by ClinVar (database versions not stated): gnomAD exomes below 0.00001.

Submission:

Ambry Genetics
Classification: Uncertain significance for Hereditary cancer-predisposing syndrome. Last evaluated: 2023-12-29. Review status: criteria provided, single submitter. Criteria: Ambry Variant Classification Scheme 2023. Collection method: clinical testing. Allele origin: germline.
Comment: The p.P814L variant (also known as c.2441C>T), located in coding exon 15 of the DICER1 gene, results from a C to T substitution at nucleotide position 2441. The proline at codon 814 is replaced by leucine, an amino acid with similar properties. This amino acid position is highly conserved in available vertebrate species. In addition, this alteration is predicted to be deleterious by in silico analysis. Since supporting evidence is limited at this time, the clinical significance of this alteration remains unclear.